The following is an entry in ClinVar:

NM_002547.3(OPHN1):c.1687-10T>C

Gene: OPHN1 (oligophrenin 1; minus strand). Cytogenetic location: Xq12.
Variant type: single nucleotide variant.
Coding change: c.1687-10T>C on transcript NM_002547.3 (MANE Select); 10 bases into the intron before coding-DNA position 1687, T replaced by C.
Molecular consequence: intron variant.
Genome position (GRCh38, 1-based): chrX:68,073,309, A>G on the plus strand (T>C on the coding strand, the complement: OPHN1 is on the minus strand). VCF-style: chrX-68073309-A-G. GRCh37 (hg19) VCF-style: chrX-67293151-A-G.
Identifiers: ClinVar variation 3061554 (VCV003061554.2), dbSNP rs2519645640, ClinGen allele CA2740053650.
Genomic context (GRCh38, chrX:68,073,309, plus strand): 5'-AGGCGGAGGCACTGGCGGTGCAGCGCTTTCCTCAGGTGGACCTAAATAGATCTGTGGAGA[A>G]AGAAGGAAGATATCTAGAGAATAATTAGATCAAGTTTTTGTCTTCTGAATGCTACCCACC-3'

ClinVar aggregate classification (germline): Likely benign (0 of 4 stars; one submission).

Conditions:
OPHN1-related disorder.

Submission:

PreventionGenetics, part of Exact Sciences
Classification: Likely benign for OPHN1-related condition. Last evaluated: 2021-07-21. Review status: no assertion criteria provided. Collection method: clinical testing. Allele origin: germline.
Comment: This variant is classified as likely benign based on ACMG/AMP sequence variant interpretation guidelines (Richards et al. 2015 PMID: 25741868, with internal and published modifications).